The following is an entry in ClinVar:

NM_007294.4(BRCA1):c.4982A>C (p.Glu1661Ala)

Gene: BRCA1 (BRCA1 DNA repair associated; minus strand). Cytogenetic location: 17q21.31.
Variant type: single nucleotide variant.
Coding change: c.4982A>C on transcript NM_007294.4 (MANE Select); coding-DNA position 4982, A replaced by C.
Protein change: p.Glu1661Ala; replaces glutamic acid 1661 with alanine.
Molecular consequence: missense variant. On other transcripts: non-coding transcript variant (1).
Genome position (GRCh38, 1-based): chr17:43,070,932, T>G on the plus strand (A>C on the coding strand, the complement: BRCA1 is on the minus strand). VCF-style: chr17-43070932-T-G. GRCh37 (hg19) VCF-style: chr17-41222949-T-G.
Other names: c.4769A>C, p.Glu1590Ala (NM_001407571.1, NM_001407897.1, NM_001407898.1 and 12 more transcripts); c.5048A>C, p.Glu1683Ala (NM_001407581.1, NM_001407582.1); c.5045A>C, p.Glu1682Ala (NM_001407583.1, NM_001407585.1, NM_001407587.1 and 1 more transcripts); c.5042A>C, p.Glu1681Ala (NM_001407590.1, NM_001407591.1); c.4982A>C, p.Glu1661Ala (NM_001407593.1, NM_001407594.1, NM_001407596.1 and 8 more transcripts); c.4979A>C, p.Glu1660Ala (NM_001407610.1, NM_001407611.1, NM_001407612.1 and 17 more transcripts); c.4976A>C, p.Glu1659Ala (NM_001407627.1, NM_001407628.1, NM_001407629.1 and 14 more transcripts); c.4970A>C, p.Glu1657Ala (NM_001407646.1); and 70 more; short protein forms E1614A, E1661A, E1682A, E557A, E1364A, E1507A, E1550A, E1573A.
Identifiers: ClinVar variation 868889 (VCV000868889.3), dbSNP rs2052355093, ClinGen allele CA10591562.
Genomic context (GRCh38, chr17:43,070,932, plus strand): 5'-TTTCCAGAATGTTGTTAAGTCTTAGTCATTAGGGAGATACATATGGATACACTCACAAAT[T>G]CTTCTGGGGTCAGGCCAGACACCACCATGGACATTCTTTTGTTGACCCTTTCTGTTGAAG-3'
Protein context (NP_009225.1, residues 1651-1671): SMVVSGLTPE[Glu1661Ala]FMLVYKFARK

Conditions:
Breast-ovarian cancer, familial, susceptibility to, 1 (BROVCA1). Also called: BRCA1 Hereditary Breast and Ovarian Cancer; OVARIAN CANCER, SUSCEPTIBILITY TO. Identifiers: Orphanet 145, MedGen C2676676, MONDO:0011450, OMIM 604370. Disease mechanism: loss of function.

Submission:

Brotman Baty Institute, University of Washington
No classification provided (evidence only). Condition: Breast-ovarian cancer, familial 1. Review status: no classification provided. Collection method: in vitro. Allele origin: not applicable. Functional consequence: functionally_normal.
ClinVar note: "not provided" was previously submitted as the classification for the variant. However, the classification appeared to be based only on an observation of functional data so it was converted to no classification on 2025-07-30.